The following is an entry in ClinVar:

ClinVar aggregate classification (germline): Conflicting classifications of pathogenicity. Review status: criteria provided, conflicting classifications (1 of 4 stars). 2 submissions from 2 submitters: Uncertain significance (1); Likely benign (1). Last evaluated 2025-10-08.

Conditions:
Inborn genetic diseases. Identifiers: MedGen C0950123, MeSH D030342.

Allele frequency attached by ClinVar (database versions not stated): TOPMed 0.00003; ExAC 0.00007; ESP Exome Variant Server 0.00008; gnomAD 0.00009; gnomAD exomes 0.00012.
gnomAD v4.1: 192 of 1,613,946 alleles (0.012%); highest among the groups gnomAD compares: Non-Finnish European, 0.015%; 1 homozygote.

Submissions (2):

Labcorp Genetics (formerly Invitae), Labcorp
Classification: Uncertain significance. Last evaluated: 2025-10-08. Review status: criteria provided, single submitter. Criteria: Invitae Variant Classification Sherloc (09022015). Collection method: clinical testing. Allele origin: germline.
Comment: This sequence change replaces lysine, which is basic and polar, with threonine, which is neutral and polar, at codon 235 of the DLL4 protein (p.Lys235Thr). This variant is present in population databases (rs374910310, gnomAD 0.02%). This variant has not been reported in the literature in individuals affected with DLL4-related conditions. ClinVar contains an entry for this variant (Variation ID: 2153937). Invitae Evidence Modeling of protein sequence and biophysical properties (such as structural, functional, and spatial information, amino acid conservation, physicochemical variation, residue mobility, and thermodynamic stability) indicates that this missense variant is not expected to disrupt DLL4 protein function with a negative predictive value of 80%. In summary, the available evidence is currently insufficient to determine the role of this variant in disease. Therefore, it has been classified as a Variant of Uncertain Significance.

Ambry Genetics
Classification: Likely benign for Inborn genetic diseases. Last evaluated: 2024-05-07. Review status: criteria provided, single submitter. Criteria: Ambry Variant Classification Scheme 2023. Collection method: clinical testing. Allele origin: germline.

NM_019074.4(DLL4):c.704A>C (p.Lys235Thr)

Gene: DLL4 (delta like canonical Notch ligand 4; plus strand). Cytogenetic location: 15q15.1.
Variant type: single nucleotide variant.
Coding change: c.704A>C on transcript NM_019074.4 (MANE Select); coding-DNA position 704, A replaced by C.
Protein change: p.Lys235Thr; replaces lysine 235 with threonine.
Molecular consequence: missense variant.
Genome position (GRCh38, 1-based): chr15:40,932,216, A>C. VCF-style: chr15-40932216-A-C. GRCh37 (hg19) VCF-style: chr15-41224414-A-C.
Other names: c.704A>C (NM_019074.3); short protein forms K235T.
Identifiers: ClinVar variation 2153937 (VCV002153937.5), dbSNP rs374910310, ClinGen allele CA7487744.
Genomic context (GRCh38, chr15:40,932,216, plus strand): 5'-GTGTTCTTCCCTTAGCTATCTGTCTTTCGGGCTGTCATGAACAGAATGGCTACTGCAGCA[A>C]GCCAGCAGAGTGCCTGTGAGTAGGGGACAGGAAGTGGTGAGTGGGAGCCCTCCCTTGGCC-3'
Protein context (NP_061947.1, residues 225-245): GCHEQNGYCS[Lys235Thr]PAECLCRPGW